The following is an entry in ClinVar:

NM_145207.3(AFG2A):c.1039C>A (p.Gln347Lys)

Gene: AFG2A (AFG2 AAA ATPase homolog A; plus strand). Cytogenetic location: 4q28.1.
Variant type: single nucleotide variant.
Coding change: c.1039C>A on transcript NM_145207.3 (MANE Select); coding-DNA position 1039, C replaced by A.
Protein change: p.Gln347Lys; replaces glutamine 347 with lysine.
Molecular consequence: missense variant.
Genome position (GRCh38, 1-based): chr4:122,934,630, C>A. VCF-style: chr4-122934630-C-A. GRCh37 (hg19) VCF-style: chr4-123855785-C-A.
Other names: c.1036C>A, p.Gln346Lys (NM_001317799.2, NM_001345856.2); short protein forms Q346K, Q347K.
Identifiers: ClinVar variation 1031189 (VCV001031189.4), dbSNP rs1402696275, ClinGen allele CA358103062.

ClinVar aggregate classification (germline): Uncertain significance. Review status: criteria provided, multiple submitters, no conflicts (2 of 4 stars). 3 submissions from 3 submitters: Uncertain significance (3). Last evaluated 2024-03-25.

Conditions:
Inborn genetic diseases. Identifiers: MedGen C0950123, MeSH D030342.
Microcephaly-intellectual disability-sensorineural hearing loss-epilepsy-abnormal muscle tone syndrome (NEDHSB). Also called: NEURODEVELOPMENTAL DISORDER WITH HEARING LOSS, SEIZURES, AND BRAIN ABNORMALITIES. Identifiers: Orphanet 457351, MedGen C4225276, MONDO:0014698, OMIM 616577.

Allele frequency attached by ClinVar (database versions not stated): gnomAD exomes below 0.00001; gnomAD 0.00001 and 0.00002.
gnomAD v4.1: 5 of 1,613,806 alleles (0.00031%); highest among the groups gnomAD compares: Middle Eastern, 0.017%; no homozygotes.

Submissions (3):

Ambry Genetics
Classification: Uncertain significance for Inborn genetic diseases. Last evaluated: 2024-03-25. Review status: criteria provided, single submitter. Criteria: Ambry Variant Classification Scheme 2023. Collection method: clinical testing. Allele origin: germline.

Labcorp Genetics (formerly Invitae), Labcorp
Classification: Uncertain significance for Microcephaly-intellectual disability-sensorineural hearing loss-epilepsy-abnormal muscle tone syndrome. Last evaluated: 2021-08-27. Review status: criteria provided, single submitter. Criteria: Invitae Variant Classification Sherloc (09022015). Collection method: clinical testing. Allele origin: germline.
Comment: This sequence change replaces glutamine with lysine at codon 347 of the SPATA5 protein (p.Gln347Lys). The glutamine residue is moderately conserved and there is a small physicochemical difference between glutamine and lysine. This variant is not present in population databases (ExAC no frequency). This variant has not been reported in the literature in individuals affected with SPATA5-related conditions. Algorithms developed to predict the effect of missense changes on protein structure and function (SIFT, PolyPhen-2, Align-GVGD) all suggest that this variant is likely to be tolerated. In summary, the available evidence is currently insufficient to determine the role of this variant in disease. Therefore, it has been classified as a Variant of Uncertain Significance.

Baylor Genetics
Classification: Uncertain significance for Microcephaly-intellectual disability-sensorineural hearing loss-epilepsy-abnormal muscle tone syndrome. Last evaluated: 2019-01-16. Review status: criteria provided, single submitter. Criteria: ACMG Guidelines, 2015. Collection method: clinical testing. Allele origin: maternal. Affected: yes.
Comment: This variant was determined to be of uncertain significance according to ACMG Guidelines, 2015 [PMID:25741868].